The following is an entry in ClinVar:

NM_002890.3(RASA1):c.1777-3T>A

Genes: CCNH (cyclin H; minus strand), RASA1 (RAS p21 protein activator 1; plus strand). Cytogenetic location: 5q14.3.
Variant type: single nucleotide variant.
Coding change: c.1777-3T>A on transcript NM_002890.3 (MANE Select); 3 bases into the intron before coding-DNA position 1777, T replaced by A.
Molecular consequence: intron variant.
Genome position (GRCh38, 1-based): chr5:87,374,160, T>A. VCF-style: chr5-87374160-T-A. GRCh37 (hg19) VCF-style: chr5-86669977-T-A.
Other names: c.1246-3T>A (NM_022650.3); c.933+20884A>T (NM_001364075.2).
Identifiers: ClinVar variation 640189 (VCV000640189.9), dbSNP rs1580380301, ClinGen allele CA915943407.

ClinVar aggregate classification (germline): Uncertain significance (1 of 4 stars; one submission).

Conditions:
Capillary malformation-arteriovenous malformation syndrome. Also called: Capillary malformation-arteriovenous malformation. Identifiers: Orphanet 137667, MedGen C1842180, MONDO:0012016.

Submission:

Labcorp Genetics (formerly Invitae), Labcorp
Classification: Uncertain significance for Capillary malformation-arteriovenous malformation syndrome. Last evaluated: 2022-08-10. Review status: criteria provided, single submitter. Criteria: Invitae Variant Classification Sherloc (09022015). Collection method: clinical testing. Allele origin: germline.
Comment: This variant has not been reported in the literature in individuals affected with RASA1-related conditions. This variant is not present in population databases (gnomAD no frequency). This sequence change falls in intron 13 of the RASA1 gene. It does not directly change the encoded amino acid sequence of the RASA1 protein. It affects a nucleotide within the consensus splice site. ClinVar contains an entry for this variant (Variation ID: 640189). In summary, the available evidence is currently insufficient to determine the role of this variant in disease. Therefore, it has been classified as a Variant of Uncertain Significance. Variants that disrupt the consensus splice site are a relatively common cause of aberrant splicing (PMID: 17576681, 9536098). Algorithms developed to predict the effect of sequence changes on RNA splicing suggest that this variant is not likely to affect RNA splicing.

Literature cited by the submitters: PubMed 17576681; PubMed 9536098.